The following is an entry in ClinVar:

NM_000104.4(CYP1B1):c.1197T>G (p.Ile399Met)

Gene: CYP1B1 (cytochrome P450 family 1 subfamily B member 1; minus strand). Cytogenetic location: 2p22.2.
Variant type: single nucleotide variant.
Coding change: c.1197T>G on transcript NM_000104.4 (MANE Select); coding-DNA position 1197, T replaced by G.
Protein change: p.Ile399Met; replaces isoleucine 399 with methionine.
Molecular consequence: missense variant.
Genome position (GRCh38, 1-based): chr2:38,071,157, A>C on the plus strand (T>G on the coding strand, the complement: CYP1B1 is on the minus strand). VCF-style: chr2-38071157-A-C. GRCh37 (hg19) VCF-style: chr2-38298300-A-C.
Other names: short protein forms I399M.
Identifiers: ClinVar variation 4853510 (VCV004853510.1).

ClinVar aggregate classification (germline): Uncertain significance (1 of 4 stars; one submission).

Submission:

Women's Health and Genetics/Laboratory Corporation of America, LabCorp
Classification: Uncertain significance. Last evaluated: 2026-05-06. Review status: criteria provided, single submitter. Criteria: LabCorp Variant Classification Summary - May 2015. Collection method: clinical testing. Allele origin: germline.
Comment: Variant summary: CYP1B1 c.1197T>G (p.Ile399Met) results in a conservative amino acid change in the encoded protein sequence. Algorithms developed to predict the effect of missense changes on protein structure and function are either unavailable or do not agree on the potential impact of this missense change. The variant was absent in 250896 control chromosomes. The available data on variant occurrences in the general population are insufficient to allow any conclusion about variant significance. To our knowledge, no occurrence of c.1197T>G in individuals affected with CYP1B1-related conditions and no experimental evidence demonstrating its impact on protein function have been reported. No submitters have cited clinical-significance assessments for this variant to ClinVar. Based on the evidence outlined above, the variant was classified as uncertain significance.